The following is an entry in ClinVar:

NM_001376.5(DYNC1H1):c.11543G>A (p.Gly3848Asp)

Gene: DYNC1H1 (dynein cytoplasmic 1 heavy chain 1; plus strand). Cytogenetic location: 14q32.31.
Variant type: single nucleotide variant.
Coding change: c.11543G>A on transcript NM_001376.5 (MANE Select); coding-DNA position 11543, G replaced by A.
Protein change: p.Gly3848Asp; replaces glycine 3848 with aspartic acid.
Molecular consequence: missense variant.
Genome position (GRCh38, 1-based): chr14:102,039,494, G>A. VCF-style: chr14-102039494-G-A. GRCh37 (hg19) VCF-style: chr14-102505831-G-A.
Other names: p.Gly3848Asp; short protein forms G3848D.
Identifiers: ClinVar variation 1057796 (VCV001057796.11), dbSNP rs754712755, ClinGen allele CA7353637.

ClinVar aggregate classification (germline): Conflicting classifications of pathogenicity. Review status: criteria provided, conflicting classifications (1 of 4 stars). 4 submissions from 4 submitters: Uncertain significance (3); Likely benign (1). Last evaluated 2025-07-23.

Conditions:
Charcot-Marie-Tooth disease axonal type 2O. Also called: CHARCOT-MARIE-TOOTH NEUROPATHY, AXONAL, TYPE 2O; CHARCOT-MARIE-TOOTH DISEASE, AXONAL, AUTOSOMAL DOMINANT, TYPE 2O; Charcot-Marie-Tooth Neuropathy Type 2O; Charcot-Marie-Tooth disease, axonal, type 20. Identifiers: Orphanet 284232, MedGen C3280220, MONDO:0013644, OMIM 614228.
Cortical dysplasia, complex, with other brain malformations 13. Also called: Intellectual disability, autosomal dominant 13. Identifiers: MedGen C3281202, MONDO:0013805, OMIM 614563.
Autosomal dominant childhood-onset proximal spinal muscular atrophy without contractures. Also called: Spinal muscular atrophy, lower extremity-predominant 1, AD; SPINAL MUSCULAR ATROPHY, CHILDHOOD, PROXIMAL, AUTOSOMAL DOMINANT; KUGELBERG-WELANDER SYNDROME, AUTOSOMAL DOMINANT; SPINAL MUSCULAR ATROPHY, JUVENILE, PROXIMAL, AUTOSOMAL DOMINANT. Identifiers: Orphanet 209341, Orphanet 363447, MedGen C5780022, MONDO:0008026, OMIM 158600.
Inborn genetic diseases. Identifiers: MedGen C0950123, MeSH D030342.

gnomAD v4.1: 29 of 1,614,228 alleles (0.0018%); highest among the groups gnomAD compares: Non-Finnish European, 0.0024%; no homozygotes.

Submissions (4):

Mayo Clinic Laboratories, Mayo Clinic
Classification: Uncertain significance. Last evaluated: 2025-07-23. Review status: criteria provided, single submitter. Criteria: ACMG Guidelines, 2015. Collection method: clinical testing. Allele origin: germline. Observed: 1 variant allele.
Comment: BP4_moderate

Labcorp Genetics (formerly Invitae), Labcorp
Classification: Likely benign for Charcot-Marie-Tooth disease axonal type 2O. Last evaluated: 2024-10-21. Review status: criteria provided, single submitter. Criteria: Invitae Variant Classification Sherloc (09022015). Collection method: clinical testing. Allele origin: germline.

Fulgent Genetics
Classification: Uncertain significance for Autosomal dominant childhood-onset proximal spinal muscular atrophy without contractures; Charcot-Marie-Tooth disease axonal type 2O; Cortical dysplasia, complex, with other brain malformations 13. Last evaluated: 2021-12-08. Review status: criteria provided, single submitter. Criteria: ACMG Guidelines, 2015. Collection method: clinical testing. Allele origin: unknown.

Ambry Genetics
Classification: Uncertain significance for Inborn genetic diseases. Last evaluated: 2021-09-14. Review status: criteria provided, single submitter. Criteria: Ambry Variant Classification Scheme 2023. Collection method: clinical testing. Allele origin: germline.
Comment: The p.G3848D variant (also known as c.11543G>A), located in coding exon 61 of the DYNC1H1 gene, results from a G to A substitution at nucleotide position 11543. The glycine at codon 3848 is replaced by aspartic acid, an amino acid with similar properties. This amino acid position is conserved. In addition, this alteration is predicted to be tolerated by in silico analysis. Since supporting evidence is limited at this time, the clinical significance of this alteration remains unclear.